The following is an entry in ClinVar:

ClinVar aggregate classification (germline): Uncertain significance (1 of 4 stars; one submission).

Submission:

Labcorp Genetics (formerly Invitae), Labcorp
Classification: Uncertain significance. Last evaluated: 2024-08-05. Review status: criteria provided, single submitter. Criteria: Invitae Variant Classification Sherloc (09022015). Collection method: clinical testing. Allele origin: germline.
Comment: This sequence change creates a premature translational stop signal (p.Tyr481*) in the RBPJ gene. While this is not anticipated to result in nonsense mediated decay, it is expected to disrupt the last 20 amino acid(s) of the RBPJ protein. This variant is not present in population databases (gnomAD no frequency). This variant has not been reported in the literature in individuals affected with RBPJ-related conditions. In summary, the available evidence is currently insufficient to determine the role of this variant in disease. Therefore, it has been classified as a Variant of Uncertain Significance.

NM_015874.6(RBPJ):c.1404C>A (p.Tyr468Ter)

Gene: RBPJ (recombination signal binding protein for immunoglobulin kappa J region; plus strand). Cytogenetic location: 4p15.2.
Variant type: single nucleotide variant.
Coding change: c.1404C>A on transcript NM_015874.6 (MANE Select); coding-DNA position 1404, C replaced by A.
Protein change: p.Tyr468Ter; replaces tyrosine 468 with a stop codon.
Molecular consequence: nonsense.
Genome position (GRCh38, 1-based): chr4:26,430,947, C>A. VCF-style: chr4-26430947-C-A. GRCh37 (hg19) VCF-style: chr4-26432569-C-A.
Other names: c.1338C>A, p.Tyr446Ter (NM_001363577.2, NM_203283.5); c.1443C>A, p.Tyr481Ter (NM_001374400.1, NM_005349.4); c.1401C>A, p.Tyr467Ter (NM_001374401.1, NM_001374402.1, NM_001374403.1 and 3 more transcripts); c.1287C>A, p.Tyr429Ter (NM_001379408.1); c.1242C>A, p.Tyr414Ter (NM_001379409.1); short protein forms Y468*, Y481*, Y414*, Y429*, Y446*, Y467*.
Identifiers: ClinVar variation 3661364 (VCV003661364.2).
Genomic context (GRCh38, chr4:26,430,947, plus strand): 5'-TCGAGCCAATTCAAGCCAGGTGCCCCCTAACGAATCAAACACAAACAGCGAGGGAAGTTA[C>A]ACAAACGCCAGCACAAATTCAACCAGTGTCACATCATCTACAGCCACAGTGGTATCCTAA-3'